The following is an entry in ClinVar:

NM_006269.2(RP1):c.4743dup (p.Cys1582fs)

Gene: RP1 (RP1 axonemal microtubule associated; plus strand). Cytogenetic location: 8q12.1.
Variant type: Duplication.
Coding change: c.4743dup on transcript NM_006269.2 (MANE Select); coding-DNA position 4743, one base duplicated (A; older notation c.4743dupA).
Protein change: p.Cys1582fs; shifts the reading frame from cysteine 1582.
Molecular consequence: frameshift variant.
Genome position (GRCh38, 1-based): chr8:54,628,625, A duplicated; the last of 7 consecutive A bases (chr8:54,628,619-54,628,625); duplicating any one gives the same sequence. VCF-style (leftmost placement, unchanged base first): chr8-54628618-T-TA. GRCh37 (hg19) VCF-style: chr8-55541178-T-TA.
Other names: NC_000008.10:g.55541185dup; NP_006260.1:p.(Cys1582MetfsTer9); p.Cys1582Metfs*9; short protein forms C1582fs.
Identifiers: ClinVar variation 268180 (VCV000268180.10), dbSNP rs886041040, ClinGen allele CA10602690.
Genomic context (GRCh38, chr8:54,628,618, plus strand): 5'-TGGTAAAAATGATGGTGAAAACTATGGAAACTGGAAGTTATTCAGAGTCCTCTCCTGATT[T>TA]AAAAAAATGCATCAAAAGTCCAGTGACTTCTGATTGGTCAGACTATCGGCCTGACAGTGA-3'

ClinVar aggregate classification (germline): Pathogenic. Review status: criteria provided, multiple submitters, no conflicts (2 of 4 stars). 4 submissions from 4 submitters: Pathogenic (3). 1 of the submissions does not count toward it. Last evaluated 2026-10-19.

Conditions:
Retinal dystrophy. Also called: Inherited retinal dystrophy. Identifiers: Orphanet 71862, MedGen C0854723, MeSH D058499, MONDO:0019118, HP:0000556.
Retinitis pigmentosa 1 (RP1). Identifiers: Orphanet 791, MedGen C0220701, MONDO:0008377, OMIM 180100.
RP1-related recessive retinopathy. Identifiers: MedGen CN322605, MONDO:0800399.

Submissions (4):

Department of Ophthalmology, Seoul National University Bundang Hospital
Classification: Pathogenic for RP1-related recessive retinopathy. Last evaluated: 2026-10-19. Review status: criteria provided, single submitter. Criteria: ACMG Guidelines, 2015. Collection method: clinical testing. Allele origin: germline. Inheritance: Autosomal recessive inheritance. Affected: yes.
Comment: Frameshift variant in exon 4. Identified in a Korean multicenter RP1 cohort (PMID:42847597) with recessive retinitis pigmentosa. ACMG/AMP criteria: PVS1, PS4, PM2. Previously reported by Wang et al., 2018 (PMID:30029497).

Ophthalmic Genetics Group, Institute of Molecular and Clinical Ophthalmology Basel
Classification: Pathogenic for Retinal dystrophy. Last evaluated: 2024-05-27. Review status: criteria provided, single submitter. Criteria: ACMG Guidelines, 2015. Collection method: research. Allele origin: germline. Affected: yes. Observed: 7 variant alleles.
Comment: This variant was classified as Pathogenic based on ACMG criteria: PVS1_strong, PS4_strong and PM2_mod

Labcorp Genetics (formerly Invitae), Labcorp
Classification: Pathogenic. Last evaluated: 2022-06-19. Review status: criteria provided, single submitter. Criteria: Invitae Variant Classification Sherloc (09022015). Collection method: clinical testing. Allele origin: germline.
Comment: This variant is present in population databases (no rsID available, gnomAD 0.0009%). This sequence change creates a premature translational stop signal (p.Cys1582Metfs*9) in the RP1 gene. While this is not anticipated to result in nonsense mediated decay, it is expected to disrupt the last 575 amino acid(s) of the RP1 protein. This variant disrupts the C-terminus of the RP1 protein. Many variants that disrupt this region have been reported in individuals with either autosomal dominant or autosomal recessive retinitis pigmentosa (PMID: 11527933, 19933189, 29425069, 30027431, 33681214). Therefore, variants that disrupt this region are expected to be disease-causing. This premature translational stop signal has been observed in individual(s) with macular dystrophy and/or retinitis pigmentosa (PMID: 30029497, 33090715, 33691693). ClinVar contains an entry for this variant (Variation ID: 268180). For these reasons, this variant has been classified as Pathogenic.

Department of Medical Genetics, Gazi University
Classification: Pathogenic for Retinitis pigmentosa 1. Review status: no assertion criteria provided. Collection method: research. Allele origin: inherited. Inheritance: Autosomal recessive inheritance. Affected: yes. Observed: 1 variant allele, 1 homozygote. Not counted in ClinVar's aggregate classification.

Literature cited by the submitters: PubMed 42847597 (cited by Department of Ophthalmology, Seoul National University Bundang Hospital); PubMed 30029497 (cited by Department of Ophthalmology, Seoul National University Bundang Hospital and Labcorp Genetics (formerly Invitae), Labcorp); PubMed 11527933 (cited by Ophthalmic Genetics Group, Institute of Molecular and Clinical Ophthalmology Basel and Labcorp Genetics (formerly Invitae), Labcorp); PubMed 19933189 (cited by Ophthalmic Genetics Group, Institute of Molecular and Clinical Ophthalmology Basel and Labcorp Genetics (formerly Invitae), Labcorp); PubMed 40180963 (cited by Ophthalmic Genetics Group, Institute of Molecular and Clinical Ophthalmology Basel); PubMed 29425069 (cited by Labcorp Genetics (formerly Invitae), Labcorp); PubMed 30027431 (cited by Labcorp Genetics (formerly Invitae), Labcorp); PubMed 33681214 (cited by Labcorp Genetics (formerly Invitae), Labcorp); PubMed 33090715 (cited by Labcorp Genetics (formerly Invitae), Labcorp); PubMed 33691693 (cited by Labcorp Genetics (formerly Invitae), Labcorp).